The following is an entry in ClinVar:

NM_004370.6(COL12A1):c.7613A>G (p.Gln2538Arg)

Gene: COL12A1 (collagen type XII alpha 1 chain; minus strand). Cytogenetic location: 6q13.
Variant type: single nucleotide variant.
Coding change: c.7613A>G on transcript NM_004370.6 (MANE Select); coding-DNA position 7613, A replaced by G.
Protein change: p.Gln2538Arg; replaces glutamine 2538 with arginine.
Molecular consequence: missense variant.
Genome position (GRCh38, 1-based): chr6:75,115,868, T>C on the plus strand (A>G on the coding strand, the complement: COL12A1 is on the minus strand). VCF-style: chr6-75115868-T-C. GRCh37 (hg19) VCF-style: chr6-75825584-T-C.
Other names: c.7613A>G, p.Gln2538Arg (NM_001424113.1); c.7592A>G, p.Gln2531Arg (NM_001424114.1); c.7340A>G, p.Gln2447Arg (NM_001424115.1); c.4121A>G, p.Gln1374Arg (NM_001424116.1, NM_080645.3); short protein forms Q1374R, Q2447R, Q2531R, Q2538R.
Identifiers: ClinVar variation 3760699 (VCV003760699.3).

ClinVar aggregate classification (germline): Uncertain significance. Review status: criteria provided, multiple submitters, no conflicts (2 of 4 stars). 2 submissions from 2 submitters: Uncertain significance (2). Last evaluated 2024-08-12.

Conditions:
Ullrich congenital muscular dystrophy 2 (UCMD2). Identifiers: Orphanet 75840, MedGen C4225314, MONDO:0014654, OMIM 616470.
Bethlem myopathy 2 (BTHLM2). Identifiers: Orphanet 536516, Orphanet 610, MedGen C4225313, MONDO:0034022, OMIM 616471.

Submissions (2):

Labcorp Genetics (formerly Invitae), Labcorp
Classification: Uncertain significance for Bethlem myopathy 2; Ullrich congenital muscular dystrophy 2. Last evaluated: 2024-08-12. Review status: criteria provided, single submitter. Criteria: Invitae Variant Classification Sherloc (09022015). Collection method: clinical testing. Allele origin: germline.
Comment: This sequence change replaces glutamine, which is neutral and polar, with arginine, which is basic and polar, at codon 2538 of the COL12A1 protein (p.Gln2538Arg). This variant is not present in population databases (gnomAD no frequency). This variant has not been reported in the literature in individuals affected with COL12A1-related conditions. Advanced modeling of protein sequence and biophysical properties (such as structural, functional, and spatial information, amino acid conservation, physicochemical variation, residue mobility, and thermodynamic stability) performed at Invitae indicates that this missense variant is not expected to disrupt COL12A1 protein function with a negative predictive value of 80%. In summary, the available evidence is currently insufficient to determine the role of this variant in disease. Therefore, it has been classified as a Variant of Uncertain Significance.

Blueprint Genetics
Classification: Uncertain significance. Last evaluated: 2024-01-03. Review status: criteria provided, single submitter. Criteria: ACMG Guidelines, 2015. Collection method: clinical testing. Allele origin: germline.